The following is an entry in ClinVar:

ClinVar aggregate classification (oncogenicity): Likely oncogenic (1 of 4 stars; one submission).

Conditions:
Meningioma. Also called: Meningioma, somatic. Identifiers: Orphanet 2495, MedGen C0025286, MONDO:0016642, HP:0002858.

Submission:

Dr. Guy Rouleau's laboratory, McGill University
Classification: Likely oncogenic for Meningioma. Last evaluated: 2025-03-30. Review status: criteria provided, single submitter. Criteria: ClinGen/CGC/VICC Guidelines for Oncogenicity, 2022. Collection method: research. Allele origin: somatic. Affected: yes.
Comment: This missense variant, located at position 653 in the TRAF7 gene, results in the substitution of Arginine (R), a basic amino acid, with Glutamine (Q), a neutral and polar amino acid. This somatic variant was identified in a paired tumor-blood sequencing study of meningiomas. Functional studies have demonstrated that this variant acts as a dominant negative by dimerizing with wild-type TRAF7 and disrupting its function (PMID: 37043537). It has been reported in meningiomas (PMIDs: 23404370, 31963394, 35299730, 35984495). However, it has not been documented in population databases (gnomAD v2.1.1: no frequency). Due to insufficient evidence, the clinical significance of this variant remains unknown.

NM_032271.3(TRAF7):c.1958G>A (p.Arg653Gln)

Gene: TRAF7 (TNF receptor associated factor 7; plus strand). Cytogenetic location: 16p13.3.
Variant type: single nucleotide variant.
Coding change: c.1958G>A on transcript NM_032271.3 (MANE Select); coding-DNA position 1958, G replaced by A.
Protein change: p.Arg653Gln; replaces arginine 653 with glutamine.
Molecular consequence: missense variant.
Genome position (GRCh38, 1-based): chr16:2,176,344, G>A. VCF-style: chr16-2176344-G-A. GRCh37 (hg19) VCF-style: chr16-2226345-G-A.
Other names: short protein forms R653Q.
Identifiers: ClinVar variation 3897756 (VCV003897756.1).